The following is an entry in ClinVar:

ClinVar aggregate classification (germline): Uncertain significance (1 of 4 stars; one submission).

Submission:

Labcorp Genetics (formerly Invitae), Labcorp
Classification: Uncertain significance. Last evaluated: 2023-11-08. Review status: criteria provided, single submitter. Criteria: Invitae Variant Classification Sherloc (09022015). Collection method: clinical testing. Allele origin: germline.
Comment: This sequence change replaces serine, which is neutral and polar, with cysteine, which is neutral and slightly polar, at codon 326 of the MOCS3 protein (p.Ser326Cys). This variant is not present in population databases (gnomAD no frequency). This variant has not been reported in the literature in individuals affected with MOCS3-related conditions. ClinVar contains an entry for this variant (Variation ID: 1508898). An algorithm developed to predict the effect of missense changes on protein structure and function (PolyPhen-2) suggests that this variant is likely to be tolerated. In summary, the available evidence is currently insufficient to determine the role of this variant in disease. Therefore, it has been classified as a Variant of Uncertain Significance.

NM_014484.5(MOCS3):c.977C>G (p.Ser326Cys)

Gene: MOCS3 (molybdenum cofactor synthesis 3; plus strand). Cytogenetic location: 20q13.13.
Variant type: single nucleotide variant.
Coding change: c.977C>G on transcript NM_014484.5 (MANE Select); coding-DNA position 977, C replaced by G.
Protein change: p.Ser326Cys; replaces serine 326 with cysteine.
Molecular consequence: missense variant.
Genome position (GRCh38, 1-based): chr20:50,959,819, C>G. VCF-style: chr20-50959819-C-G. GRCh37 (hg19) VCF-style: chr20-49576356-C-G.
Other names: short protein forms S326C.
Identifiers: ClinVar variation 1508898 (VCV001508898.6), dbSNP rs2123160733, ClinGen allele CA408985338.